The following is an entry in ClinVar:

NM_000051.4(ATM):c.6953A>G (p.Lys2318Arg)

Genes: ATM (ATM serine/threonine kinase; plus strand), C11orf65 (chromosome 11 open reading frame 65; minus strand). Cytogenetic location: 11q22.3.
Variant type: single nucleotide variant.
Coding change: c.6953A>G on transcript NM_000051.4 (MANE Select); coding-DNA position 6953, A replaced by G.
Protein change: p.Lys2318Arg; replaces lysine 2318 with arginine.
Molecular consequence: missense variant. On other transcripts: intron variant (2).
Genome position (GRCh38, 1-based): chr11:108,326,203, A>G. VCF-style: chr11-108326203-A-G. GRCh37 (hg19) VCF-style: chr11-108196930-A-G.
Other names: c.6953A>G, p.Lys2318Arg (NM_001351834.2); c.641-17132T>C (NM_001330368.2); c.*38+9017T>C (NM_001351110.2); short protein forms K2318R.
Identifiers: ClinVar variation 3326579 (VCV003326579.1).
Genomic context (GRCh38, chr11:108,326,203, plus strand): 5'-TATTCTGGGCAAAAAAGGAGCAGAGTCTTGCCCTGAGTATTCTCAAGCAAATGATCAAGA[A>G]GTTGGATGCCAGCTGTGCAGCGGTTTGTTTTTTTTATTGGCTGGATTAGTGTTTTACTGT-3'
Protein context (NP_000042.3, residues 2308-2328): ALSILKQMIK[Lys2318Arg]LDASCAANNP

ClinVar aggregate classification (germline): Uncertain significance (1 of 4 stars; one submission).

Conditions:
Hereditary cancer-predisposing syndrome. Also called: Neoplastic Syndromes, Hereditary; Tumor predisposition; Hereditary Cancer Syndrome; Hereditary neoplastic syndrome. Identifiers: Orphanet 140162, MedGen C0027672, MeSH D009386, MONDO:0015356.

Submission:

Ambry Genetics
Classification: Uncertain significance for Hereditary cancer-predisposing syndrome. Last evaluated: 2024-06-19. Review status: criteria provided, single submitter. Criteria: Ambry Variant Classification Scheme 2023. Collection method: clinical testing. Allele origin: germline.
Comment: The p.K2318R variant (also known as c.6953A>G), located in coding exon 46 of the ATM gene, results from an A to G substitution at nucleotide position 6953. The lysine at codon 2318 is replaced by arginine, an amino acid with highly similar properties. This amino acid position is well conserved in available vertebrate species. In addition, this alteration is predicted to be tolerated by in silico analysis. Based on the available evidence, the clinical significance of this variant remains unclear.